The following is an entry in ClinVar:

NM_177438.3(DICER1):c.4301A>T (p.Glu1434Val)

Gene: DICER1 (dicer 1, ribonuclease III; minus strand). Cytogenetic location: 14q32.13.
Variant type: single nucleotide variant.
Coding change: c.4301A>T on transcript NM_177438.3 (MANE Select); coding-DNA position 4301, A replaced by T.
Protein change: p.Glu1434Val; replaces glutamic acid 1434 with valine.
Molecular consequence: missense variant.
Genome position (GRCh38, 1-based): chr14:95,096,619, T>A on the plus strand (A>T on the coding strand, the complement: DICER1 is on the minus strand). VCF-style: chr14-95096619-T-A. GRCh37 (hg19) VCF-style: chr14-95562956-T-A.
Other names: c.4301A>T, p.Glu1434Val (NM_001195573.1, NM_001271282.3, NM_001291628.2 and 1 more transcripts); short protein forms E1434V.
Identifiers: ClinVar variation 1009085 (VCV001009085.10), dbSNP rs1890370153, ClinGen allele CA390869452.
Genomic context (GRCh38, chr14:95,096,619, plus strand): 5'-TCTATAAATCTGATATGTTCCTGATCATACTCCAGGAAATCATCTTCATAGTCAGCCTCT[T>A]CCTTCGGAGCCCTCCACATCAGGCTCTCCTCCTCCTCATCCTCCTCCTCGTAATCCTCAT-3'
Protein context (NP_803187.1, residues 1424-1444): EESLMWRAPK[Glu1434Val]EADYEDDFLE

ClinVar aggregate classification (germline): Uncertain significance (1 of 4 stars; one submission).

Conditions:
DICER1-related tumor predisposition. Also called: DICER1-related pleuropulmonary blastoma cancer predisposition syndrome; DICER1 syndrome. Identifiers: Orphanet 284343, MedGen C3839822, MONDO:0100216.

Submission:

Labcorp Genetics (formerly Invitae), Labcorp
Classification: Uncertain significance for DICER1-related tumor predisposition. Last evaluated: 2020-02-04. Review status: criteria provided, single submitter. Criteria: Invitae Variant Classification Sherloc (09022015). Collection method: clinical testing. Allele origin: germline.
Comment: In summary, the available evidence is currently insufficient to determine the role of this variant in disease. Therefore, it has been classified as a Variant of Uncertain Significance. Algorithms developed to predict the effect of sequence changes on RNA splicing suggest that this variant may create or strengthen a splice site, but this prediction has not been confirmed by published transcriptional studies. Algorithms developed to predict the effect of missense changes on protein structure and function are either unavailable or do not agree on the potential impact of this missense change (SIFT: "Deleterious"; PolyPhen-2: "Probably Damaging"; Align-GVGD: "Class C0"). This variant has not been reported in the literature in individuals with DICER1-related conditions. This variant is not present in population databases (ExAC no frequency). This sequence change replaces glutamic acid with valine at codon 1434 of the DICER1 protein (p.Glu1434Val). The glutamic acid residue is moderately conserved and there is a moderate physicochemical difference between glutamic acid and valine.